The following is an entry in ClinVar:

ClinVar aggregate classification (germline): Uncertain significance (1 of 4 stars; one submission).

Conditions:
Cryopyrin associated periodic syndrome (CAPS). Identifiers: Orphanet 208650, MedGen C2316212, MONDO:0016168.

gnomAD v4.1: 1 of 1,613,994 alleles (0.000062%); highest among the groups gnomAD compares: Non-Finnish European, 0.000085%; no homozygotes.

Submission:

Labcorp Genetics (formerly Invitae), Labcorp
Classification: Uncertain significance for Cryopyrin associated periodic syndrome. Last evaluated: 2025-10-21. Review status: criteria provided, single submitter. Criteria: Invitae Variant Classification Sherloc (09022015). Collection method: clinical testing. Allele origin: germline.
Comment: This sequence change replaces histidine, which is basic and polar, with leucine, which is neutral and non-polar, at codon 260 of the NLRP3 protein (p.His260Leu). This variant is not present in population databases (gnomAD no frequency). This variant has not been reported in the literature in individuals affected with NLRP3-related conditions. Invitae Evidence Modeling of protein sequence and biophysical properties (such as structural, functional, and spatial information, amino acid conservation, physicochemical variation, residue mobility, and thermodynamic stability) has been performed for this missense variant. However, the output from this modeling did not meet the statistical confidence thresholds required to predict the impact of this variant on NLRP3 protein function. In summary, the available evidence is currently insufficient to determine the role of this variant in disease. Therefore, it has been classified as a Variant of Uncertain Significance.

NM_001243133.2(NLRP3):c.773A>T (p.His258Leu)

Gene: NLRP3 (NLR family pyrin domain containing 3; plus strand). Cytogenetic location: 1q44.
Variant type: single nucleotide variant.
Coding change: c.773A>T on transcript NM_001243133.2 (MANE Select); coding-DNA position 773, A replaced by T.
Protein change: p.His258Leu; replaces histidine 258 with leucine.
Molecular consequence: missense variant.
Genome position (GRCh38, 1-based): chr1:247,424,222, A>T. VCF-style: chr1-247424222-A-T. GRCh37 (hg19) VCF-style: chr1-247587524-A-T.
Other names: c.773A>T, p.His258Leu (NM_001079821.3, NM_001127461.3, NM_001127462.3 and 1 more transcripts); c.779A>T, p.His260Leu (NM_004895.5); short protein forms H258L, H260L.
Identifiers: ClinVar variation 4781140 (VCV004781140.1).
Genomic context (GRCh38, chr1:247,424,222, plus strand): 5'-TGTTGGACTGGGCGTCGGGGACACTCTACCAAGACAGGTTTGACTATCTGTTCTATATCC[A>T]CTGTCGAGAGGTGAGCCTTGTGACACAGAGGAGCCTGGGGGACCTGATCATGAGCTGCTG-3'
Protein context (NP_001230062.1, residues 248-268): QDRFDYLFYI[His258Leu]CREVSLVTQR